The following is an entry in ClinVar:

NM_013450.4(BAZ2B):c.5349G>A (p.Val1783=)

Gene: BAZ2B (bromodomain adjacent to zinc finger domain 2B; minus strand). Cytogenetic location: 2q24.2.
Variant type: single nucleotide variant.
Coding change: c.5349G>A on transcript NM_013450.4 (MANE Select); coding-DNA position 5349, G replaced by A.
Protein change: p.Val1783=; no amino-acid change (valine 1783 retained).
Molecular consequence: synonymous variant.
Genome position (GRCh38, 1-based): chr2:159,347,591, C>T on the plus strand (G>A on the coding strand, the complement: BAZ2B is on the minus strand). VCF-style: chr2-159347591-C-T. GRCh37 (hg19) VCF-style: chr2-160204102-C-T.
Other names: c.5241G>A, p.Val1747= (NM_001289975.1); c.5187G>A, p.Val1729= (NM_001329857.2); c.5274G>A, p.Val1758= (NM_001329858.2).
Identifiers: ClinVar variation 3029722 (VCV003029722.2), dbSNP rs2068094640, ClinGen allele CA429484589.
Genomic context (GRCh38, chr2:159,347,591, plus strand): 5'-TACCTGTTGAAGGACACTCAAATCCATTTCCATTGCTTGTTCTTCTACTGACCAGTTCTC[C>T]ACAATATCTCGAGTTACTTGGTTTTCTTCATTTTCATTCAGTTCAATAATAGCAACTACA-3'
Protein context (NP_038478.2, residues 1773-1793): NEENQVTRDI[Val1783=]ENWSVEEQAM

ClinVar aggregate classification (germline): Likely benign (0 of 4 stars; one submission).

Conditions:
BAZ2B-related disorder. Also called: BAZ2B-related condition.

Submission:

PreventionGenetics, part of Exact Sciences
Classification: Likely benign for BAZ2B-related condition. Last evaluated: 2022-01-18. Review status: no assertion criteria provided. Collection method: clinical testing. Allele origin: germline.
Comment: This variant is classified as likely benign based on ACMG/AMP sequence variant interpretation guidelines (Richards et al. 2015 PMID: 25741868, with internal and published modifications).